The following is an entry in ClinVar:

ClinVar aggregate classification (germline): Pathogenic (1 of 4 stars; one submission).

Submission:

Labcorp Genetics (formerly Invitae), Labcorp
Classification: Pathogenic. Last evaluated: 2023-12-12. Review status: criteria provided, single submitter. Criteria: Invitae Variant Classification Sherloc (09022015). Collection method: clinical testing. Allele origin: germline.
Comment: This sequence change creates a premature translational stop signal (p.Asp1582Thrfs*108) in the ANK1 gene. It is expected to result in an absent or disrupted protein product. Loss-of-function variants in ANK1 are known to be pathogenic (PMID: 8640229). This variant is not present in population databases (gnomAD no frequency). This variant has not been reported in the literature in individuals affected with ANK1-related conditions. Algorithms developed to predict the effect of sequence changes on RNA splicing suggest that this variant may create or strengthen a splice site. For these reasons, this variant has been classified as Pathogenic.

Literature cited by the submitters: PubMed 8640229.

NM_000037.4(ANK1):c.4744del (p.Asp1582fs)

Gene: ANK1 (ankyrin 1; minus strand). Cytogenetic location: 8p11.21.
Variant type: Deletion.
Coding change: c.4744del on transcript NM_000037.4 (MANE Select); coding-DNA position 4744, one base deleted (G; older notation c.4744delG).
Protein change: p.Asp1582fs; shifts the reading frame from aspartic acid 1582.
Molecular consequence: frameshift variant. On other transcripts: intron variant (1).
Genome position (GRCh38, 1-based): chr8:41,672,706, C deleted on the plus strand (G on the coding strand, the reverse complement: ANK1 is on the minus strand); the first of 2 consecutive C bases (chr8:41,672,706-41,672,707); deleting either gives the same sequence. VCF-style (leftmost placement, unchanged base first): chr8-41672705-TC-T. GRCh37 (hg19) VCF-style: chr8-41530223-TC-T.
Other names: c.4867del, p.Asp1623fs (NM_001142446.2); c.4744del, p.Asp1582fs (NM_020475.3, NM_020476.3); c.4538-280del (NM_020477.3); short protein forms D1623fs, D1582fs.
Identifiers: ClinVar variation 2702307 (VCV002702307.3), dbSNP rs2487638615, ClinGen allele CA2697549851.